The following is an entry in ClinVar:

ClinVar aggregate classification (germline): Likely benign. Review status: criteria provided, single submitter (1 of 4 stars). 2 submissions from 2 submitters: Likely benign (1). 1 of the submissions does not count toward it. Last evaluated 2025-03-18.

Conditions:
Gorlin syndrome. Also called: Nevoid Basal Cell Carcinoma Syndrome; Basal cell nevus syndrome. Identifiers: Orphanet 377, MedGen C0004779, MONDO:0007187.
PTCH1-related disorder. Also called: PTCH1-related disorders; PTCH1-related condition.

Allele frequency attached by ClinVar (database versions not stated): gnomAD 0.00001.
gnomAD v4.1: 2 of 1,613,626 alleles (0.00012%); highest among the groups gnomAD compares: African/African-American, 0.0013%; no homozygotes.

Submissions (2):

Labcorp Genetics (formerly Invitae), Labcorp
Classification: Likely benign for Gorlin syndrome. Last evaluated: 2025-03-18. Review status: criteria provided, single submitter. Criteria: Invitae Variant Classification Sherloc (09022015). Collection method: clinical testing. Allele origin: germline.

PreventionGenetics, part of Exact Sciences
Classification: Likely benign for PTCH1-related condition. Last evaluated: 2021-12-06. Review status: no assertion criteria provided. Collection method: clinical testing. Allele origin: germline. Not counted in ClinVar's aggregate classification.
Comment: This variant is classified as likely benign based on ACMG/AMP sequence variant interpretation guidelines (Richards et al. 2015 PMID: 25741868, with internal and published modifications).

NM_000264.5(PTCH1):c.2251-7G>A

Genes: PTCH1 (patched 1; minus strand), LOC100507346 (uncharacterized LOC100507346; plus strand). Cytogenetic location: 9q22.32.
Variant type: single nucleotide variant.
Coding change: c.2251-7G>A on transcript NM_000264.5 (MANE Select); 7 bases into the intron before coding-DNA position 2251, G replaced by A.
Molecular consequence: intron variant. On other transcripts: non-coding transcript variant (1).
Genome position (GRCh38, 1-based): chr9:95,467,432, C>T on the plus strand (G>A on the coding strand, the complement: PTCH1 is on the minus strand). VCF-style: chr9-95467432-C-T. GRCh37 (hg19) VCF-style: chr9-98229714-C-T.
Other names: c.2248-7G>A (NM_001083603.3); c.2053-7G>A (NM_001083602.3); c.2095-7G>A (NM_001354918.2); c.1798-7G>A (NM_001083605.3, NM_001083604.3, NM_001083606.3 and 1 more transcripts).
Identifiers: ClinVar variation 3029377 (VCV003029377.3), dbSNP rs1459536795, ClinGen allele CA1127004053.
Genomic context (GRCh38, chr9:95,467,432, plus strand): 5'-GGTGCCATAAAGGCTGACCCCCAGCAAGCCCAGAAAAAGGAAGATCACCACTACCTGGAA[C>T]AGAAGAGGCACAAGGTCAGACCCCAGGGAGCACCACTGACTCTTCCTGGACAAAGAGAAG-3'